The following is an entry in ClinVar:

ClinVar aggregate classification (germline): Uncertain significance. Review status: criteria provided, multiple submitters, no conflicts (2 of 4 stars). 2 submissions from 2 submitters: Uncertain significance (2). Last evaluated 2025-10-12.

Conditions:
Inborn genetic diseases. Identifiers: MedGen C0950123, MeSH D030342.
Congenital myasthenic syndrome 8. Also called: MYASTHENIC SYNDROME, CONGENITAL, DUE TO AGRIN DEFICIENCY; Myasthenic syndrome, congenital, 8, with pre- and postsynaptic defects. Identifiers: Orphanet 590, MedGen C3808739, MONDO:0014052, OMIM 615120.

Allele frequency attached by ClinVar (database versions not stated): TOPMed 0.00002.
gnomAD v4.1: 14 of 1,579,412 alleles (0.00089%); highest among the groups gnomAD compares: Admixed American, 0.0056%; no homozygotes.

Submissions (2):

Labcorp Genetics (formerly Invitae), Labcorp
Classification: Uncertain significance for Congenital myasthenic syndrome 8. Last evaluated: 2025-10-12. Review status: criteria provided, single submitter. Criteria: Invitae Variant Classification Sherloc (09022015). Collection method: clinical testing. Allele origin: germline.
Comment: This sequence change replaces threonine, which is neutral and polar, with methionine, which is neutral and non-polar, at codon 1118 of the AGRN protein (p.Thr1118Met). The frequency data for this variant in the population databases is considered unreliable, as metrics indicate poor data quality at this position in the gnomAD database. This variant has not been reported in the literature in individuals affected with AGRN-related conditions. ClinVar contains an entry for this variant (Variation ID: 570233). An algorithm developed to predict the effect of missense changes on protein structure and function (PolyPhen-2) suggests that this variant is likely to be disruptive. In summary, the available evidence is currently insufficient to determine the role of this variant in disease. Therefore, it has been classified as a Variant of Uncertain Significance.

Ambry Genetics
Classification: Uncertain significance for Inborn genetic diseases. Last evaluated: 2021-08-23. Review status: criteria provided, single submitter. Criteria: Ambry Variant Classification Scheme 2023. Collection method: clinical testing. Allele origin: germline.

NM_198576.4(AGRN):c.3353C>T (p.Thr1118Met)

Gene: AGRN (agrin; plus strand). Cytogenetic location: 1p36.33.
Variant type: single nucleotide variant.
Coding change: c.3353C>T on transcript NM_198576.4 (MANE Select); coding-DNA position 3353, C replaced by T.
Protein change: p.Thr1118Met; replaces threonine 1118 with methionine.
Molecular consequence: missense variant.
Genome position (GRCh38, 1-based): chr1:1,046,922, C>T. VCF-style: chr1-1046922-C-T. GRCh37 (hg19) VCF-style: chr1-982302-C-T.
Other names: c.3353C>T, p.Thr1118Met (NM_001305275.2); c.3038C>T, p.Thr1013Met (NM_001364727.2); short protein forms T1118M, T1013M.
Identifiers: ClinVar variation 570233 (VCV000570233.9), dbSNP rs149159118, ClinGen allele CA337848572.